The following is an entry in ClinVar:

ClinVar aggregate classification (germline): Uncertain significance (1 of 4 stars; one submission).

Submission:

Ambry Genetics
Classification: Uncertain significance. Last evaluated: 2024-04-29. Review status: criteria provided, single submitter. Criteria: Ambry Variant Classification Scheme 2023. Collection method: clinical testing. Allele origin: germline.
Comment: The p.L635P variant (also known as c.1904T>C), located in coding exon 12 of the POLQ gene, results from a T to C substitution at nucleotide position 1904. The leucine at codon 635 is replaced by proline, an amino acid with similar properties. This amino acid position is conserved. In addition, this alteration is predicted to be deleterious by in silico analysis. Based on the available evidence, the clinical significance of this variant remains unclear.

NM_199420.4(POLQ):c.1904T>C (p.Leu635Pro)

Gene: POLQ (DNA polymerase theta; minus strand). Cytogenetic location: 3q13.33.
Variant type: single nucleotide variant.
Coding change: c.1904T>C on transcript NM_199420.4 (MANE Select); coding-DNA position 1904, T replaced by C.
Protein change: p.Leu635Pro; replaces leucine 635 with proline.
Molecular consequence: missense variant.
Genome position (GRCh38, 1-based): chr3:121,509,616, A>G on the plus strand (T>C on the coding strand, the complement: POLQ is on the minus strand). VCF-style: chr3-121509616-A-G. GRCh37 (hg19) VCF-style: chr3-121228463-A-G.
Other names: short protein forms L635P.
Identifiers: ClinVar variation 3308661 (VCV003308661.1).